The following is an entry in ClinVar:

ClinVar aggregate classification (germline): Uncertain significance (1 of 4 stars; one submission).

gnomAD v4.1: 58 of 1,601,690 alleles (0.0036%); highest among the groups gnomAD compares: Middle Eastern, 0.067%; no homozygotes.

Submission:

Labcorp Genetics (formerly Invitae), Labcorp
Classification: Uncertain significance. Last evaluated: 2024-06-03. Review status: criteria provided, single submitter. Criteria: Invitae Variant Classification Sherloc (09022015). Collection method: clinical testing. Allele origin: germline.
Comment: This sequence change replaces valine, which is neutral and non-polar, with glutamic acid, which is acidic and polar, at codon 2323 of the ZDBF2 protein (p.Val2323Glu). This variant is present in population databases (rs771185873, gnomAD 0.04%). This variant has not been reported in the literature in individuals affected with ZDBF2-related conditions. An algorithm developed to predict the effect of missense changes on protein structure and function (PolyPhen-2) suggests that this variant is likely to be tolerated. In summary, the available evidence is currently insufficient to determine the role of this variant in disease. Therefore, it has been classified as a Variant of Uncertain Significance.

NM_020923.3(ZDBF2):c.6968T>A (p.Val2323Glu)

Gene: ZDBF2 (zinc finger DBF-type containing 2; plus strand). Cytogenetic location: 2q33.3.
Variant type: single nucleotide variant.
Coding change: c.6968T>A on transcript NM_020923.3 (MANE Select); coding-DNA position 6968, T replaced by A.
Protein change: p.Val2323Glu; replaces valine 2323 with glutamic acid.
Molecular consequence: missense variant.
Genome position (GRCh38, 1-based): chr2:206,311,496, T>A. VCF-style: chr2-206311496-T-A. GRCh37 (hg19) VCF-style: chr2-207176220-T-A.
Other names: c.6962T>A, p.Val2321Glu (NM_001285549.2); c.6968T>A, p.Val2323Glu (NM_001369654.1); short protein forms V2321E, V2323E.
Identifiers: ClinVar variation 3606348 (VCV003606348.2).